The following is an entry in ClinVar:

NM_007194.4(CHEK2):c.319+3991G>A

Gene: CHEK2 (checkpoint kinase 2; minus strand). Cytogenetic location: 22q12.1.
Variant type: single nucleotide variant.
Coding change: c.319+3991G>A on transcript NM_007194.4 (MANE Select); 3991 bases into the intron after coding-DNA position 319, G replaced by A.
Molecular consequence: intron variant.
Genome position (GRCh38, 1-based): chr22:28,730,412, C>T on the plus strand (G>A on the coding strand, the complement: CHEK2 is on the minus strand). VCF-style: chr22-28730412-C-T. GRCh37 (hg19) VCF-style: chr22-29126400-C-T.
Other names: c.-344-5045G>A (NM_001437942.1); c.319+3991G>A (NM_001349956.3, NM_145862.3); c.-459+3991G>A (NM_001257387.3); c.412+44G>A (NM_001438295.1, NM_001438293.1); c.448+8G>A (NM_001438294.1, NM_001005735.3).
Identifiers: ClinVar variation 3040694 (VCV003040694.2), dbSNP rs184636882, ClinGen allele CA10168033.

ClinVar aggregate classification (germline): Likely benign (0 of 4 stars; one submission).

Conditions:
CHEK2-related disorder.

Allele frequency attached by ClinVar (database versions not stated): gnomAD 0.00003; TOPMed 0.00006; 1000 Genomes Project 30x 0.00016; 1000 Genomes Project 0.00020.
gnomAD v4.1: 19 of 637,154 alleles (0.003%); highest among the groups gnomAD compares: Admixed American, 0.0087%; no homozygotes.

Submission:

PreventionGenetics, part of Exact Sciences
Classification: Likely benign for CHEK2-related condition. Last evaluated: 2019-09-17. Review status: no assertion criteria provided. Collection method: clinical testing. Allele origin: germline.
Comment: This variant is classified as likely benign based on ACMG/AMP sequence variant interpretation guidelines (Richards et al. 2015 PMID: 25741868, with internal and published modifications).